The following is an entry in ClinVar:

ClinVar aggregate classification (germline): Conflicting classifications of pathogenicity. Review status: criteria provided, conflicting classifications (1 of 4 stars). 2 submissions from 2 submitters: Uncertain significance (1); Likely benign (1). Last evaluated 2022-07-22.

Conditions:
Ehlers-Danlos syndrome (EDS). Identifiers: Orphanet 98249, MedGen C0013720, MONDO:0020066.

gnomAD v4.1: 8 of 1,614,146 alleles (0.0005%); highest among the groups gnomAD compares: Non-Finnish European, 0.00068%; no homozygotes.

Submissions (2):

Genome Diagnostics Laboratory, The Hospital for Sick Children
Classification: Uncertain significance for Ehlers-Danlos syndrome. Last evaluated: 2022-07-22. Review status: criteria provided, single submitter. Criteria: ACMG Guidelines, 2015. Collection method: clinical testing. Allele origin: germline.

GeneDx
Classification: Likely benign. Last evaluated: 2018-05-31. Review status: criteria provided, single submitter. Criteria: GeneDx Variant Classification (06012015). Collection method: clinical testing. Allele origin: germline. Affected: yes.
Comment: This variant is considered likely benign or benign based on one or more of the following criteria: it is a conservative change, it occurs at a poorly conserved position in the protein, it is predicted to be benign by multiple in silico algorithms, and/or has population frequency not consistent with disease.

NM_000302.4(PLOD1):c.331C>A (p.Arg111=)

Gene: PLOD1 (procollagen-lysine,2-oxoglutarate 5-dioxygenase 1; plus strand). Cytogenetic location: 1p36.22.
Variant type: single nucleotide variant.
Coding change: c.331C>A on transcript NM_000302.4 (MANE Select); coding-DNA position 331, C replaced by A.
Protein change: p.Arg111=; no amino-acid change (arginine 111 retained).
Molecular consequence: synonymous variant.
Genome position (GRCh38, 1-based): chr1:11,950,385, C>A. VCF-style: chr1-11950385-C-A. GRCh37 (hg19) VCF-style: chr1-12010442-C-A.
Other names: c.472C>A, p.Arg158= (NM_001316320.2).
Identifiers: ClinVar variation 669058 (VCV000669058.4), dbSNP rs772221158, ClinGen allele CA17999093.